The following is an entry in ClinVar:

ClinVar aggregate classification (germline): Uncertain significance (1 of 4 stars; one submission).

Conditions:
MHC class I deficiency. Identifiers: Orphanet 34592, MedGen C6024714, MONDO:0011476.

Allele frequency attached by ClinVar (database versions not stated): gnomAD exomes below 0.00001.
gnomAD v4.1: 1 of 1,612,918 alleles (0.000062%); highest among the groups gnomAD compares: Non-Finnish European, 0.000085%; no homozygotes.

Submission:

Labcorp Genetics (formerly Invitae), Labcorp
Classification: Uncertain significance for MHC class I deficiency 1. Last evaluated: 2020-11-15. Review status: criteria provided, single submitter. Criteria: Invitae Variant Classification Sherloc (09022015). Collection method: clinical testing. Allele origin: germline.
Comment: In summary, the available evidence is currently insufficient to determine the role of this variant in disease. Therefore, it has been classified as a Variant of Uncertain Significance. Algorithms developed to predict the effect of missense changes on protein structure and function are either unavailable or do not agree on the potential impact of this missense change (SIFT: "Deleterious"; PolyPhen-2: "Not Available"; Align-GVGD: "Class C0"). This variant has not been reported in the literature in individuals with TAP2-related conditions. This variant is not present in population databases (ExAC no frequency). This sequence change replaces proline with histidine at codon 504 of the TAP2 protein (p.Pro504His). The proline residue is highly conserved and there is a moderate physicochemical difference between proline and histidine.

NM_001290043.2(TAP2):c.1511C>A (p.Pro504His)

Gene: TAP2 (transporter 2, ATP binding cassette subfamily B member; minus strand). Cytogenetic location: 6p21.32.
Variant type: single nucleotide variant.
Coding change: c.1511C>A on transcript NM_001290043.2 (MANE Select); coding-DNA position 1511, C replaced by A.
Protein change: p.Pro504His; replaces proline 504 with histidine.
Molecular consequence: missense variant.
Genome position (GRCh38, 1-based): chr6:32,830,391, G>T on the plus strand (C>A on the coding strand, the complement: TAP2 is on the minus strand). VCF-style: chr6-32830391-G-T. GRCh37 (hg19) VCF-style: chr6-32798168-G-T.
Other names: c.1511C>A, p.Pro504His (NM_000544.3, NM_018833.3); short protein forms P504H.
Identifiers: ClinVar variation 1486201 (VCV001486201.8), dbSNP rs2127354979, ClinGen allele CA363580278.